The following is an entry in ClinVar:

NM_015030.2(FRYL):c.1A>G (p.Met1Val)

Gene: FRYL (FRY like transcription coactivator; minus strand). Cytogenetic location: 4p11.
Variant type: single nucleotide variant.
Coding change: c.1A>G on transcript NM_015030.2 (MANE Select); coding-DNA position 1, A replaced by G.
Protein change: p.Met1Val; changes the start codon (methionine 1).
Molecular consequence: missense variant, initiator codon variant.
Genome position (GRCh38, 1-based): chr4:48,634,410, T>C on the plus strand (A>G on the coding strand, the complement: FRYL is on the minus strand). VCF-style: chr4-48634410-T-C. GRCh37 (hg19) VCF-style: chr4-48636427-T-C.
Other names: short protein forms M1V.
Identifiers: ClinVar variation 4795722 (VCV004795722.2).

ClinVar aggregate classification (germline): Uncertain significance (1 of 4 stars; one submission).

Submission:

GeneDx
Classification: Uncertain significance. Last evaluated: 2026-10-03. Review status: criteria provided, single submitter. Criteria: GeneDx Variant Classification Process June 2021. Collection method: clinical testing. Allele origin: germline.
Comment: Not observed at significant frequency in large population cohorts (gnomAD); Initiation codon variant predicted to alter the protein; however, a downstream in-frame Methionine residue could serve as an alternate initiator codon; Has not been previously published as pathogenic or benign to our knowledge.